The following is an entry in ClinVar:

ClinVar aggregate classification (germline): Uncertain significance (1 of 4 stars; one submission).

Allele frequency attached by ClinVar (database versions not stated): gnomAD 0.00001; TOPMed 0.00002.

Submission:

Labcorp Genetics (formerly Invitae), Labcorp
Classification: Uncertain significance. Last evaluated: 2022-09-27. Review status: criteria provided, single submitter. Criteria: Invitae Variant Classification Sherloc (09022015). Collection method: clinical testing. Allele origin: germline.
Comment: This sequence change replaces leucine, which is neutral and non-polar, with valine, which is neutral and non-polar, at codon 214 of the STUB1 protein (p.Leu214Val). This variant is present in population databases (no rsID available, gnomAD 0.0009%). This variant has not been reported in the literature in individuals affected with STUB1-related conditions. Advanced modeling of protein sequence and biophysical properties (such as structural, functional, and spatial information, amino acid conservation, physicochemical variation, residue mobility, and thermodynamic stability) performed at Invitae indicates that this missense variant is not expected to disrupt STUB1 protein function. Algorithms developed to predict the effect of sequence changes on RNA splicing suggest that this variant may create or strengthen a splice site. In summary, the available evidence is currently insufficient to determine the role of this variant in disease. Therefore, it has been classified as a Variant of Uncertain Significance.

NM_005861.4(STUB1):c.640C>G (p.Leu214Val)

Genes: JMJD8 (jumonji domain containing 8; minus strand), STUB1 (STIP1 homology and U-box containing protein 1; plus strand). Cytogenetic location: 16p13.3.
Variant type: single nucleotide variant.
Coding change: c.640C>G on transcript NM_005861.4 (MANE Select); coding-DNA position 640, C replaced by G.
Protein change: p.Leu214Val; replaces leucine 214 with valine.
Molecular consequence: missense variant. On other transcripts: 3 prime UTR variant (5), non-coding transcript variant (3).
Genome position (GRCh38, 1-based): chr16:682,047, C>G. VCF-style: chr16-682047-C-G. GRCh37 (hg19) VCF-style: chr16-732047-C-G.
Other names: c.424C>G, p.Leu142Val (NM_001293197.2); c.*747G>C (NM_001005920.4, NM_001323919.3, NM_001323920.3); c.*781G>C (NM_001323918.3, NM_001323922.3); short protein forms L142V, L214V.
Identifiers: ClinVar variation 1946259 (VCV001946259.2), dbSNP rs1453093635, ClinGen allele CA394113506.